The following is an entry in ClinVar:

ClinVar aggregate classification (germline): Conflicting classifications of pathogenicity. Review status: criteria provided, conflicting classifications (1 of 4 stars). 2 submissions from 2 submitters: Uncertain significance (1); Likely benign (1). Last evaluated 2025-07-02.

Conditions:
Early-infantile DEE. Also called: Early infantile epileptic encephalopathy; Ohtahara syndrome; Early infantile epileptic encephalopathy with suppression bursts. Identifiers: Orphanet 1934, MedGen C0393706, MONDO:0800491.
Inborn genetic diseases. Identifiers: MedGen C0950123, MeSH D030342.

Allele frequency attached by ClinVar (database versions not stated): 1000 Genomes Project 30x 0.00016; 1000 Genomes Project 0.00020; ExAC 0.00003; gnomAD exomes 0.00003 and 0.00010; TOPMed 0.00004; gnomAD 0.00005.
gnomAD v4.1: 152 of 1,613,892 alleles (0.0094%); highest among the groups gnomAD compares: Non-Finnish European, 0.012%; no homozygotes.

Submissions (2):

Labcorp Genetics (formerly Invitae), Labcorp
Classification: Likely benign for Early-infantile DEE. Last evaluated: 2025-07-02. Review status: criteria provided, single submitter. Criteria: Invitae Variant Classification Sherloc (09022015). Collection method: clinical testing. Allele origin: germline.

Ambry Genetics
Classification: Uncertain significance for Inborn genetic diseases. Last evaluated: 2025-05-05. Review status: criteria provided, single submitter. Criteria: Ambry Variant Classification Scheme 2023. Collection method: clinical testing. Allele origin: germline.
Comment: Unlikely to be causative of SPTAN1-related developmental and epileptic encephalopathy (AD) Based on insufficient or conflicting evidence, the clinical significance of this alteration remains unclear.

NM_001130438.3(SPTAN1):c.4075C>T (p.Arg1359Trp)

Gene: SPTAN1 (spectrin alpha, non-erythrocytic 1; plus strand). Cytogenetic location: 9q34.11.
Variant type: single nucleotide variant.
Coding change: c.4075C>T on transcript NM_001130438.3 (MANE Select); coding-DNA position 4075, C replaced by T.
Protein change: p.Arg1359Trp; replaces arginine 1359 with tryptophan.
Molecular consequence: missense variant.
Genome position (GRCh38, 1-based): chr9:128,607,632, C>T. VCF-style: chr9-128607632-C-T. GRCh37 (hg19) VCF-style: chr9-131369911-C-T.
Other names: c.4015C>T, p.Arg1339Trp (NM_001195532.2, NM_001363765.2); c.4075C>T, p.Arg1359Trp (NM_001363759.2, NM_003127.4); short protein forms R1359W, R1339W.
Identifiers: ClinVar variation 461223 (VCV000461223.13), dbSNP rs150944593, ClinGen allele CA5265110.